The following is an entry in ClinVar:

NM_000275.3(OCA2):c.1183A>G (p.Met395Val)

Gene: OCA2 (OCA2 melanosomal transmembrane protein; minus strand). Cytogenetic location: 15q13.1.
Variant type: single nucleotide variant.
Coding change: c.1183A>G on transcript NM_000275.3 (MANE Select); coding-DNA position 1183, A replaced by G.
Protein change: p.Met395Val; replaces methionine 395 with valine.
Molecular consequence: missense variant.
Genome position (GRCh38, 1-based): chr15:27,986,643, T>C on the plus strand (A>G on the coding strand, the complement: OCA2 is on the minus strand). VCF-style: chr15-27986643-T-C. GRCh37 (hg19) VCF-style: chr15-28231789-T-C.
Other names: c.1111A>G, p.Met371Val (NM_001300984.2); short protein forms M371V, M395V.
Identifiers: ClinVar variation 2671720 (VCV002671720.2), dbSNP rs757286784, ClinGen allele CA391361005.

ClinVar aggregate classification (germline): Conflicting classifications of pathogenicity. Review status: criteria provided, conflicting classifications (1 of 4 stars). 2 submissions from 2 submitters: Likely pathogenic (1); Uncertain significance (1). Last evaluated 2023-02-14.

Conditions:
Tyrosinase-positive oculocutaneous albinism (OCA2). Also called: ALBINISM II; Oculocutaneous albinism type 2; Albinism, oculocutaneous, type II. Identifiers: Orphanet 79432, MedGen C0268495, MONDO:0008746, OMIM 203200.

Submissions (2):

Neuberg Centre For Genomic Medicine, NCGM
Classification: Uncertain significance for Tyrosinase-positive oculocutaneous albinism. Last evaluated: 2023-02-14. Review status: criteria provided, single submitter. Criteria: ACMG Guidelines, 2015. Collection method: clinical testing. Allele origin: germline. Inheritance: Autosomal recessive inheritance. Affected: yes.
Comment: The missense c.1183A>G(p.Met395Val) variant in OCA2 gene has not been reported previously as a pathogenic variant nor as a benign variant, to our knowledge. The p.Met395Val variant is novel (not in any individuals) in gnomAD Exomes and 1000 Genomes. This variant has not been reported to the ClinVar database. The amino acid change p.Met395Val in OCA2 is predicted as conserved by GERP++ and PhyloP across 100 vertebrates. The amino acid Met at position 395 is changed to a Val changing protein sequence and it might alter its composition and physico-chemical properties. For these reasons, this variant has been classified as a Variant of Uncertain Significance (VUS)

Clinical Genetics Service, Universitary Hospital 12 de Octubre
Classification: Likely pathogenic for Tyrosinase-positive oculocutaneous albinism. Review status: criteria provided, single submitter. Criteria: ACMG Guidelines, 2015. Collection method: clinical testing. Allele origin: germline. Affected: yes.